The following is an entry in ClinVar:

ClinVar aggregate classification (germline): Pathogenic/Likely pathogenic. Review status: criteria provided, multiple submitters, no conflicts (2 of 4 stars). 4 submissions from 4 submitters: Pathogenic (1); Likely pathogenic (1). 2 of the submissions do not count toward it. Last evaluated 2025-10-06.

Conditions:
Deficiency of alpha-mannosidase (MANSA). Also called: LYSOSOMAL ALPHA-D-MANNOSIDASE DEFICIENCY; Alpha-Mannosidosis; Mannosidosis, alpha-, types I and II. Identifiers: Orphanet 61, MedGen C0024748, MONDO:0009561, OMIM 248500.

Allele frequency attached by ClinVar (database versions not stated): gnomAD exomes below 0.00001.
gnomAD v4.1: 1 of 1,614,150 alleles (0.000062%); highest among the groups gnomAD compares: Middle Eastern, 0.017%; no homozygotes.

Submissions (4):

Labcorp Genetics (formerly Invitae), Labcorp
Classification: Pathogenic for Deficiency of alpha-mannosidase. Last evaluated: 2025-10-06. Review status: criteria provided, single submitter. Criteria: Invitae Variant Classification Sherloc (09022015). Collection method: clinical testing. Allele origin: germline.
Comment: This sequence change replaces histidine, which is basic and polar, with leucine, which is neutral and non-polar, at codon 72 of the MAN2B1 protein (p.His72Leu). This variant is not present in population databases (gnomAD no frequency). This missense change has been observed in individual(s) with alpha-mannosidosis (PMID: 9158146; internal data). It has also been observed to segregate with disease in related individuals. ClinVar contains an entry for this variant (Variation ID: 1684). Invitae Evidence Modeling of protein sequence and biophysical properties (such as structural, functional, and spatial information, amino acid conservation, physicochemical variation, residue mobility, and thermodynamic stability) has been performed for this missense variant. However, the output from this modeling did not meet the statistical confidence thresholds required to predict the impact of this variant on MAN2B1 protein function. Experimental studies have shown that this missense change affects MAN2B1 function (PMID: 15035660, 26817023). For these reasons, this variant has been classified as Pathogenic.

Genome-Nilou Lab
Classification: Likely pathogenic for Deficiency of alpha-mannosidase. Last evaluated: 2021-09-05. Review status: criteria provided, single submitter. Criteria: ACMG Guidelines, 2015. Collection method: clinical testing. Allele origin: germline. Affected: no.

ClinVar Staff, National Center for Biotechnology Information (NCBI)
Classification: Uncertain significance for Deficiency of alpha-mannosidase. Last evaluated: 2012-06-07. Review status: no assertion criteria provided. Collection method: literature only. Allele origin: germline. Affected: yes. Not counted in ClinVar's aggregate classification.

OMIM
Classification: Pathogenic for ALPHA-MANNOSIDOSIS. Last evaluated: 1998-10-01. Review status: no assertion criteria provided. Collection method: literature only. Allele origin: germline. Not counted in ClinVar's aggregate classification.

Literature cited by the submitters: PubMed 9158146 (cited by Labcorp Genetics (formerly Invitae), Labcorp and OMIM); PubMed 15035660 (cited by Labcorp Genetics (formerly Invitae), Labcorp); PubMed 26817023 (cited by Labcorp Genetics (formerly Invitae), Labcorp); PubMed 9758606 (cited by ClinVar Staff, National Center for Biotechnology Information (NCBI) and OMIM); PubMed 724292 (cited by OMIM); PubMed 9370301 (cited by OMIM).

NM_000528.4(MAN2B1):c.215A>T (p.His72Leu)

Gene: MAN2B1 (mannosidase alpha class 2B member 1; minus strand). Cytogenetic location: 19p13.13.
Variant type: single nucleotide variant.
Coding change: c.215A>T on transcript NM_000528.4 (MANE Select); coding-DNA position 215, A replaced by T.
Protein change: p.His72Leu; replaces histidine 72 with leucine.
Molecular consequence: missense variant.
Genome position (GRCh38, 1-based): chr19:12,665,750, T>A on the plus strand (A>T on the coding strand, the complement: MAN2B1 is on the minus strand). VCF-style: chr19-12665750-T-A. GRCh37 (hg19) VCF-style: chr19-12776564-T-A.
Other names: H71L; c.215A>T, p.His72Leu (NM_001173498.2); short protein forms H72L.
Identifiers: ClinVar variation 1684 (VCV000001684.10), dbSNP rs387906261, ClinGen allele CA339900.